The following is an entry in ClinVar:

ClinVar aggregate classification (germline): Uncertain significance (1 of 4 stars; one submission).

Allele frequency attached by ClinVar (database versions not stated): gnomAD exomes below 0.00001; ExAC 0.00001; gnomAD 0.00001; 1000 Genomes Project 30x 0.00016; 1000 Genomes Project 0.00020.
gnomAD v4.1: 2 of 1,613,764 alleles (0.00012%); highest among the groups gnomAD compares: African/African-American, 0.0027%; no homozygotes.

Submission:

Labcorp Genetics (formerly Invitae), Labcorp
Classification: Uncertain significance. Last evaluated: 2022-12-06. Review status: criteria provided, single submitter. Criteria: Invitae Variant Classification Sherloc (09022015). Collection method: clinical testing. Allele origin: germline.
Comment: In summary, the available evidence is currently insufficient to determine the role of this variant in disease. Therefore, it has been classified as a Variant of Uncertain Significance. Algorithms developed to predict the effect of sequence changes on RNA splicing suggest that this variant may disrupt the consensus splice site. Algorithms developed to predict the effect of missense changes on protein structure and function are either unavailable or do not agree on the potential impact of this missense change (SIFT: "Deleterious"; PolyPhen-2: "Not Available"; Align-GVGD: "Class C0"). ClinVar contains an entry for this variant (Variation ID: 1425285). This variant has not been reported in the literature in individuals affected with PCLO-related conditions. This variant is present in population databases (rs563056427, gnomAD 0.007%). This sequence change replaces glycine, which is neutral and non-polar, with arginine, which is basic and polar, at codon 127 of the PCLO protein (p.Gly127Arg).

NM_033026.6(PCLO):c.379G>A (p.Gly127Arg)

Gene: PCLO (piccolo presynaptic cytomatrix protein; minus strand). Cytogenetic location: 7q21.11.
Variant type: single nucleotide variant.
Coding change: c.379G>A on transcript NM_033026.6 (MANE Select); coding-DNA position 379, G replaced by A.
Protein change: p.Gly127Arg; replaces glycine 127 with arginine.
Molecular consequence: missense variant.
Genome position (GRCh38, 1-based): chr7:83,156,262, C>T on the plus strand (G>A on the coding strand, the complement: PCLO is on the minus strand). VCF-style: chr7-83156262-C-T. GRCh37 (hg19) VCF-style: chr7-82785578-C-T.
Other names: c.379G>A, p.Gly127Arg (NM_014510.3); short protein forms G127R.
Identifiers: ClinVar variation 1425285 (VCV001425285.6), dbSNP rs563056427, ClinGen allele CA4321669.
Genomic context (GRCh38, chr7:83,156,262, plus strand): 5'-CTTCCTTTAAATCAGTTCTGGACTTTGATTCTTTCAAGCTAATAGTGGAAGGACTCCTCC[C>T]AGGCAATTTCTGCTCTGACCTGAAAGTGTCTGTAGTTCTACTTTTACTGAGACCAGGTTG-3'
Protein context (NP_149015.2, residues 117-137): DTFRSEQKLP[Gly127Arg]RSPSTISLKE